The following is an entry in ClinVar:

ClinVar aggregate classification (germline): Likely benign (0 of 4 stars; one submission).

Conditions:
CUX1-related disorder. Also called: CUX1-related condition.

Allele frequency attached by ClinVar (database versions not stated): ESP Exome Variant Server 0.00054; ExAC 0.00014; gnomAD 0.00034; TOPMed 0.00036; 1000 Genomes Project 30x 0.00062; gnomAD exomes 0.00003; 1000 Genomes Project 0.00060.

Submission:

PreventionGenetics, part of Exact Sciences
Classification: Likely benign for CUX1-related condition. Last evaluated: 2022-12-20. Review status: no assertion criteria provided. Collection method: clinical testing. Allele origin: germline.
Comment: This variant is classified as likely benign based on ACMG/AMP sequence variant interpretation guidelines (Richards et al. 2015 PMID: 25741868, with internal and published modifications).

NM_001913.5(CUX1):c.1732C>T (p.Arg578Cys)

Gene: CUX1 (cut like homeobox 1; plus strand). Cytogenetic location: 7q22.1.
Variant type: single nucleotide variant.
Coding change: c.1732C>T on transcript NM_001913.5 (MANE Plus Clinical); coding-DNA position 1732, C replaced by T.
Protein change: p.Arg578Cys; replaces arginine 578 with cysteine.
Molecular consequence: missense variant.
Genome position (GRCh38, 1-based): chr7:102,280,088, C>T. VCF-style: chr7-102280088-C-T. GRCh37 (hg19) VCF-style: chr7-101923380-C-T.
Other names: c.1615C>T, p.Arg539Cys (NM_001202546.3); c.1726C>T, p.Arg576Cys (NM_181500.4); c.1684C>T, p.Arg562Cys (NM_001202544.3); c.1594C>T, p.Arg532Cys (NM_001202545.3); short protein forms R532C, R539C, R562C, R576C, R578C.
Identifiers: ClinVar variation 3048301 (VCV003048301.2), dbSNP rs146049827, ClinGen allele CA4411775.